The following is an entry in ClinVar:

ClinVar aggregate classification (germline): Uncertain significance (1 of 4 stars; one submission).

Conditions:
Hereditary cancer-predisposing syndrome. Also called: Neoplastic Syndromes, Hereditary; Tumor predisposition; Hereditary Cancer Syndrome; Hereditary neoplastic syndrome. Identifiers: Orphanet 140162, MedGen C0027672, MeSH D009386, MONDO:0015356.

Submission:

Ambry Genetics
Classification: Uncertain significance for Hereditary cancer-predisposing syndrome. Last evaluated: 2026-04-22. Review status: criteria provided, single submitter. Criteria: Ambry Variant Classification Scheme 2023. Collection method: clinical testing. Allele origin: germline.
Comment: The p.R504L variant (also known as c.1511G>T), located in coding exon 16 of the CDC73 gene, results from a G to T substitution at nucleotide position 1511. The arginine at codon 504 is replaced by leucine, an amino acid with dissimilar properties. This amino acid position is conserved. In addition, this alteration is predicted to be deleterious by in silico analysis. Based on the available evidence, the clinical significance of this variant remains unclear.

NM_024529.5(CDC73):c.1511G>T (p.Arg504Leu)

Gene: CDC73 (cell division cycle 73; plus strand). Cytogenetic location: 1q31.2.
Variant type: single nucleotide variant.
Coding change: c.1511G>T on transcript NM_024529.5 (MANE Select); coding-DNA position 1511, G replaced by T.
Protein change: p.Arg504Leu; replaces arginine 504 with leucine.
Molecular consequence: missense variant.
Genome position (GRCh38, 1-based): chr1:193,249,823, G>T. VCF-style: chr1-193249823-G-T. GRCh37 (hg19) VCF-style: chr1-193218953-G-T.
Other names: short protein forms R504L.
Identifiers: ClinVar variation 4868360 (VCV004868360.1).
Genomic context (GRCh38, chr1:193,249,823, plus strand): 5'-GTCTGGATCCAAATGTTCAGAAATGGGATGTAACAGTATTAGAACTCAGCTATCACAAAC[G>T]TCATTTGGATAGACCAGTGTTCTTACGGTTTTGGGAAACATTGGACAGGTAATTCCGATT-3'
Protein context (NP_078805.3, residues 494-514): VTVLELSYHK[Arg504Leu]HLDRPVFLRF